The following is an entry in ClinVar:

ClinVar aggregate classification (germline): Likely benign (0 of 4 stars; one submission).

Conditions:
SPN-related disorder. Also called: SPN-related condition.

Allele frequency attached by ClinVar (database versions not stated): 1000 Genomes Project 30x 0.00094; 1000 Genomes Project 0.00100.

Submission:

PreventionGenetics, part of Exact Sciences
Classification: Likely benign for SPN-related condition. Last evaluated: 2022-02-07. Review status: no assertion criteria provided. Collection method: clinical testing. Allele origin: germline.
Comment: This variant is classified as likely benign based on ACMG/AMP sequence variant interpretation guidelines (Richards et al. 2015 PMID: 25741868, with internal and published modifications).

NM_003123.6(SPN):c.675C>G (p.Ser225Arg)

Gene: SPN (sialophorin; plus strand). Cytogenetic location: 16p11.2.
Variant type: single nucleotide variant.
Coding change: c.675C>G on transcript NM_003123.6 (MANE Select); coding-DNA position 675, C replaced by G.
Protein change: p.Ser225Arg; replaces serine 225 with arginine.
Molecular consequence: missense variant.
Genome position (GRCh38, 1-based): chr16:29,664,403, C>G. VCF-style: chr16-29664403-C-G. GRCh37 (hg19) VCF-style: chr16-29675724-C-G.
Other names: c.675C>G, p.Ser225Arg (NM_001030288.4); short protein forms S225R.
Identifiers: ClinVar variation 3037910 (VCV003037910.2), dbSNP rs11574556, ClinGen allele CA7992228.